The following is an entry in ClinVar:

NM_012144.4(DNAI1):c.1877C>T (p.Ala626Val)

Gene: DNAI1 (dynein axonemal intermediate chain 1; plus strand). Cytogenetic location: 9p13.3.
Variant type: single nucleotide variant.
Coding change: c.1877C>T on transcript NM_012144.4 (MANE Select); coding-DNA position 1877, C replaced by T.
Protein change: p.Ala626Val; replaces alanine 626 with valine.
Molecular consequence: missense variant.
Genome position (GRCh38, 1-based): chr9:34,517,343, C>T. VCF-style: chr9-34517343-C-T. GRCh37 (hg19) VCF-style: chr9-34517341-C-T.
Other names: c.1889C>T, p.Ala630Val (NM_001281428.2); c.1877C>T (NM_012144.2); short protein forms A630V, A626V.
Identifiers: ClinVar variation 697779 (VCV000697779.17), dbSNP rs565034311, ClinGen allele CA5034569.
Genomic context (GRCh38, chr9:34,517,343, plus strand): 5'-AGGCCCACATATTTGACTTAGCCATCAACAAGTATGAGGCCATCTGCAACCAGCCTGTGG[C>T]GGCCAAAAAGAACAGGCTCACCCACGTGCAGTTCAATCTCATCCACCCCATCATCATTGT-3'
Protein context (NP_036276.1, residues 616-636): KYEAICNQPV[Ala626Val]AKKNRLTHVQ

ClinVar aggregate classification (germline): Likely benign. Review status: criteria provided, multiple submitters, no conflicts (2 of 4 stars). 5 submissions from 5 submitters: Likely benign (3). 2 of the submissions do not count toward it. Last evaluated 2026-01-31.

Conditions:
DNAI1-related disorder. Also called: DNAI1-related condition.
Primary ciliary dyskinesia. Also called: Ciliary dyskinesia. Identifiers: Orphanet 244, MedGen C0008780, MONDO:0016575, HP:0012265.

Allele frequency attached by ClinVar (database versions not stated): gnomAD exomes 0.00032 and 0.00061; ExAC 0.00069; 1000 Genomes Project 30x 0.00125; 1000 Genomes Project 0.00160; gnomAD 0.00002 and 0.00024; TOPMed 0.00008.
gnomAD v4.1: 505 of 1,614,114 alleles (0.031%); highest among the groups gnomAD compares: South Asian, 0.5%; 3 homozygotes.

Submissions (5):

Labcorp Genetics (formerly Invitae), Labcorp
Classification: Likely benign for Primary ciliary dyskinesia. Last evaluated: 2026-01-31. Review status: criteria provided, single submitter. Criteria: Invitae Variant Classification Sherloc (09022015). Collection method: clinical testing. Allele origin: germline.

Ambry Genetics
Classification: Likely benign for Primary ciliary dyskinesia. Last evaluated: 2025-07-03. Review status: criteria provided, single submitter. Criteria: Ambry Variant Classification Scheme 2023. Collection method: clinical testing. Allele origin: germline.

Blueprint Genetics
Classification: Likely benign. Last evaluated: 2024-11-17. Review status: criteria provided, single submitter. Criteria: ACMG Guidelines, 2015. Collection method: clinical testing. Allele origin: germline.

PreventionGenetics, part of Exact Sciences
Classification: Likely benign for DNAI1-related condition. Last evaluated: 2022-12-06. Review status: no assertion criteria provided. Collection method: clinical testing. Allele origin: germline. Not counted in ClinVar's aggregate classification.
Comment: This variant is classified as likely benign based on ACMG/AMP sequence variant interpretation guidelines (Richards et al. 2015 PMID: 25741868, with internal and published modifications).

Natera, Inc.
Classification: Likely benign for Primary ciliary dyskinesia. Last evaluated: 2020-01-10. Review status: no assertion criteria provided. Collection method: clinical testing. Allele origin: germline. Not counted in ClinVar's aggregate classification.